The following is an entry in ClinVar:

NM_001009944.3(PKD1):c.9544A>T (p.Ile3182Phe)

Gene: PKD1 (polycystin 1, transient receptor potential channel interacting; minus strand). Cytogenetic location: 16p13.3.
Variant type: single nucleotide variant.
Coding change: c.9544A>T on transcript NM_001009944.3 (MANE Select); coding-DNA position 9544, A replaced by T.
Protein change: p.Ile3182Phe; replaces isoleucine 3182 with phenylalanine.
Molecular consequence: missense variant.
Genome position (GRCh38, 1-based): chr16:2,100,420, T>A on the plus strand (A>T on the coding strand, the complement: PKD1 is on the minus strand). VCF-style: chr16-2100420-T-A. GRCh37 (hg19) VCF-style: chr16-2150421-T-A.
Other names: c.9544A>T, p.Ile3182Phe (NM_000296.4); short protein forms I3182F.
Identifiers: ClinVar variation 4927656 (VCV004927656.2).

ClinVar aggregate classification (germline): Uncertain significance. Review status: criteria provided, multiple submitters, no conflicts (2 of 4 stars). 2 submissions from 2 submitters: Uncertain significance (2). Last evaluated 2025-04-10.

Conditions:
PKD1-related disorder. Also called: PKD1-related condition.

Submissions (2):

PreventionGenetics, part of Exact Sciences
Classification: Uncertain significance for PKD1-related condition. Last evaluated: 2025-04-10. Review status: criteria provided, single submitter. Criteria: ACMG Guidelines, 2015. Collection method: clinical testing. Allele origin: germline.
Comment: The PKD1 c.9544A>T variant is predicted to result in the amino acid substitution p.Ile3182Phe. To our knowledge, this variant has not been reported in the literature or in a large population database (gnomAD), indicating this variant is rare. At this time, the clinical significance of the c.9544A>T (p.Ile3182Phe) variant is uncertain due to the absence of conclusive functional and genetic evidence.

Blueprint Genetics
Classification: Uncertain significance. Last evaluated: 2019-12-10. Review status: criteria provided, single submitter. Criteria: ACMG Guidelines, 2015. Collection method: clinical testing. Allele origin: germline.